The following is an entry in ClinVar:

ClinVar aggregate classification (germline): Benign/Likely benign. Review status: criteria provided, multiple submitters, no conflicts (2 of 4 stars). 4 submissions from 4 submitters: Benign (1); Likely benign (2). 1 of the submissions does not count toward it. Last evaluated 2026-09-01.

Conditions:
RECQL4-related disorder. Also called: RECQL4-related condition; RECQL4-related disorders.
Inborn genetic diseases. Identifiers: MedGen C0950123, MeSH D030342.
Baller-Gerold syndrome (BGS). Also called: CRANIOSYNOSTOSIS WITH RADIAL DEFECTS. Identifiers: Orphanet 1225, MedGen C0265308, MONDO:0009039, OMIM 218600.

Allele frequency attached by ClinVar (database versions not stated): gnomAD exomes 0.00022 and 0.00006; 1000 Genomes Project 30x 0.00031; ExAC 0.00036; gnomAD 0.00013 and 0.00014; TOPMed 0.00017; 1000 Genomes Project 0.00020.

Submissions (4):

CeGaT Center for Human Genetics Tuebingen
Classification: Likely benign. Last evaluated: 2026-09-01. Review status: criteria provided, single submitter. Criteria: CeGaT Center For Human Genetics Tuebingen Variant Classification Criteria Version 2. Collection method: clinical testing. Allele origin: germline. Affected: yes. Observed: 1 variant allele.
Comment: RECQL4: BP4, BP7

Labcorp Genetics (formerly Invitae), Labcorp
Classification: Benign for Baller-Gerold syndrome. Last evaluated: 2026-01-17. Review status: criteria provided, single submitter. Criteria: Invitae Variant Classification Sherloc (09022015). Collection method: clinical testing. Allele origin: germline.

Ambry Genetics
Classification: Likely benign for Inborn genetic diseases. Last evaluated: 2024-11-25. Review status: criteria provided, single submitter. Criteria: Ambry Variant Classification Scheme 2023. Collection method: clinical testing. Allele origin: germline.

PreventionGenetics, part of Exact Sciences
Classification: Likely benign for RECQL4-related condition. Last evaluated: 2019-09-04. Review status: no assertion criteria provided. Collection method: clinical testing. Allele origin: germline. Not counted in ClinVar's aggregate classification.
Comment: This variant is classified as likely benign based on ACMG/AMP sequence variant interpretation guidelines (Richards et al. 2015 PMID: 25741868, with internal and published modifications).

NM_004260.4(RECQL4):c.1899C>T (p.Gly633=)

Gene: RECQL4 (RecQ like helicase 4; minus strand). Cytogenetic location: 8q24.3.
Variant type: single nucleotide variant.
Coding change: c.1899C>T on transcript NM_004260.4 (MANE Select); coding-DNA position 1899, C replaced by T.
Protein change: p.Gly633=; no amino-acid change (glycine 633 retained).
Molecular consequence: synonymous variant.
Genome position (GRCh38, 1-based): chr8:144,514,087, G>A on the plus strand (C>T on the coding strand, the complement: RECQL4 is on the minus strand). VCF-style: chr8-144514087-G-A. GRCh37 (hg19) VCF-style: chr8-145739471-G-A.
Identifiers: ClinVar variation 239709 (VCV000239709.15), dbSNP rs557065974, ClinGen allele CA4948580.